The following is an entry in ClinVar:

ClinVar aggregate classification (germline): Likely benign (1 of 4 stars; one submission).

Submission:

GeneDx
Classification: Likely benign. Last evaluated: 2017-04-03. Review status: criteria provided, single submitter. Criteria: GeneDx Variant Classification (06012015). Collection method: clinical testing. Allele origin: germline. Affected: yes.
Comment: This variant is considered likely benign or benign based on one or more of the following criteria: it is a conservative change, it occurs at a poorly conserved position in the protein, it is predicted to be benign by multiple in silico algorithms, and/or has population frequency not consistent with disease.

NM_004360.5(CDH1):c.1839C>T (p.Asn613=)

Gene: CDH1 (cadherin 1; plus strand). Cytogenetic location: 16q22.1.
Variant type: single nucleotide variant.
Coding change: c.1839C>T on transcript NM_004360.5 (MANE Select); coding-DNA position 1839, C replaced by T.
Protein change: p.Asn613=; no amino-acid change (asparagine 613 retained).
Molecular consequence: synonymous variant. On other transcripts: 5 prime UTR variant (1).
Genome position (GRCh38, 1-based): chr16:68,822,128, C>T. VCF-style: chr16-68822128-C-T. GRCh37 (hg19) VCF-style: chr16-68856031-C-T.
Other names: c.1656C>T, p.Asn552= (NM_001317184.2); c.291C>T, p.Asn97= (NM_001317185.2); c.-127C>T (NM_001317186.2); c.1839C>T (LRG_301t1).
Identifiers: ClinVar variation 508500 (VCV000508500.1), dbSNP rs1555516861, ClinGen allele CA496392682.
Genomic context (GRCh38, chr16:68,822,128, plus strand): 5'-CATACCAGAACCTCGAACTATATTCTTCTGTGAGAGGAATCCAAAGCCTCAGGTCATAAA[C>T]ATCATTGATGCAGACCTTCCTCCCAATACATCTCCCTTCACAGCAGAACTAACACACGGG-3'
Protein context (NP_004351.1, residues 603-623): CERNPKPQVI[Asn613=]IIDADLPPNT